The following is an entry in ClinVar:

ClinVar aggregate classification (germline): Uncertain significance. Review status: criteria provided, multiple submitters, no conflicts (2 of 4 stars). 2 submissions from 2 submitters: Uncertain significance (2). Last evaluated 2025-11-16.

Conditions:
Inborn genetic diseases. Identifiers: MedGen C0950123, MeSH D030342.

Allele frequency attached by ClinVar (database versions not stated): gnomAD exomes below 0.00001; TOPMed below 0.00001; gnomAD 0.00001.
gnomAD v4.1: 4 of 1,613,698 alleles (0.00025%); highest among the groups gnomAD compares: Admixed American, 0.0017%; no homozygotes.

Submissions (2):

Labcorp Genetics (formerly Invitae), Labcorp
Classification: Uncertain significance. Last evaluated: 2025-11-16. Review status: criteria provided, single submitter. Criteria: Invitae Variant Classification Sherloc (09022015). Collection method: clinical testing. Allele origin: germline.
Comment: This sequence change replaces alanine, which is neutral and non-polar, with threonine, which is neutral and polar, at codon 747 of the KDM5B protein (p.Ala747Thr). This variant is not present in population databases (gnomAD no frequency). This variant has not been reported in the literature in individuals affected with KDM5B-related conditions. ClinVar contains an entry for this variant (Variation ID: 2606360). Invitae Evidence Modeling of protein sequence and biophysical properties (such as structural, functional, and spatial information, amino acid conservation, physicochemical variation, residue mobility, and thermodynamic stability) indicates that this missense variant is not expected to disrupt KDM5B protein function with a negative predictive value of 80%. In summary, the available evidence is currently insufficient to determine the role of this variant in disease. Therefore, it has been classified as a Variant of Uncertain Significance.

Ambry Genetics
Classification: Uncertain significance for Inborn genetic diseases. Last evaluated: 2023-06-26. Review status: criteria provided, single submitter. Criteria: Ambry Variant Classification Scheme 2023. Collection method: clinical testing. Allele origin: germline.

NM_006618.5(KDM5B):c.2239G>A (p.Ala747Thr)

Gene: KDM5B (lysine demethylase 5B; minus strand). Cytogenetic location: 1q32.1.
Variant type: single nucleotide variant.
Coding change: c.2239G>A on transcript NM_006618.5 (MANE Select); coding-DNA position 2239, G replaced by A.
Protein change: p.Ala747Thr; replaces alanine 747 with threonine.
Molecular consequence: missense variant.
Genome position (GRCh38, 1-based): chr1:202,745,942, C>T on the plus strand (G>A on the coding strand, the complement: KDM5B is on the minus strand). VCF-style: chr1-202745942-C-T. GRCh37 (hg19) VCF-style: chr1-202715070-C-T.
Other names: c.2347G>A, p.Ala783Thr (NM_001314042.2); c.2104G>A, p.Ala702Thr (NM_001347591.2); c.2224G>A, p.Ala742Thr (NM_001399817.1); short protein forms A783T, A742T, A747T, A702T.
Identifiers: ClinVar variation 2606360 (VCV002606360.3), dbSNP rs1280018819, ClinGen allele CA344266192.